The following is an entry in ClinVar:

NM_001164508.2(NEB):c.175C>T (p.Gln59Ter)

Gene: NEB (nebulin; minus strand). Cytogenetic location: 2q23.3.
Variant type: single nucleotide variant.
Coding change: c.175C>T on transcript NM_001164508.2 (MANE Select); coding-DNA position 175, C replaced by T.
Protein change: p.Gln59Ter; replaces glutamine 59 with a stop codon.
Molecular consequence: nonsense.
Genome position (GRCh38, 1-based): chr2:151,727,810, G>A on the plus strand (C>T on the coding strand, the complement: NEB is on the minus strand). VCF-style: chr2-151727810-G-A. GRCh37 (hg19) VCF-style: chr2-152584324-G-A.
Other names: c.175C>T, p.Gln59Ter (NM_001164507.2, NM_001271208.2, NM_004543.5); short protein forms Q59*.
Identifiers: ClinVar variation 1071473 (VCV001071473.9), dbSNP rs867732907, ClinGen allele CA348795325.

ClinVar aggregate classification (germline): Pathogenic. Review status: criteria provided, multiple submitters, no conflicts (2 of 4 stars). 2 submissions from 2 submitters: Pathogenic (2). Last evaluated 2026-01-24.

Conditions:
Nemaline myopathy 2 (NEM2). Also called: Nemaline myopathy 2, autosomal recessive. Identifiers: MedGen C1850569, MONDO:0009725, OMIM 256030.
Nemaline myopathy. Also called: Myopathies, Nemaline. Identifiers: Orphanet 607, MedGen C0206157, MONDO:0018958.

Submissions (2):

Labcorp Genetics (formerly Invitae), Labcorp
Classification: Pathogenic for Nemaline myopathy 2. Last evaluated: 2026-01-24. Review status: criteria provided, single submitter. Criteria: Invitae Variant Classification Sherloc (09022015). Collection method: clinical testing. Allele origin: germline.
Comment: This sequence change creates a premature translational stop signal (p.Gln59*) in the NEB gene. It is expected to result in an absent or disrupted protein product. Loss-of-function variants in NEB are known to be pathogenic (PMID: 25205138). This variant is not present in population databases (gnomAD no frequency). This variant has not been reported in the literature in individuals affected with NEB-related conditions. ClinVar contains an entry for this variant (Variation ID: 1071473). For these reasons, this variant has been classified as Pathogenic.

Women's Health and Genetics/Laboratory Corporation of America, LabCorp
Classification: Pathogenic for Nemaline myopathy. Last evaluated: 2025-01-27. Review status: criteria provided, single submitter. Criteria: LabCorp Variant Classification Summary - May 2015. Collection method: clinical testing. Allele origin: germline.
Comment: Variant summary: NEB c.175C>T (p.Gln59X) results in a premature termination codon, predicted to cause a truncation of the encoded protein or absence of the protein due to nonsense mediated decay, which are commonly known mechanisms for disease. The variant was absent in 248888 control chromosomes. To our knowledge, no occurrence of c.175C>T in individuals affected with Nemaline Myopathy 2 and no experimental evidence demonstrating its impact on protein function have been reported. ClinVar contains an entry for this variant (Variation ID: 1071473). Based on the evidence outlined above, the variant was classified as pathogenic.

Literature cited by the submitters: PubMed 25205138 (cited by Labcorp Genetics (formerly Invitae), Labcorp).